The following is an entry in ClinVar:

NM_005477.3(HCN4):c.397G>A (p.Ala133Thr)

Gene: HCN4 (hyperpolarization activated cyclic nucleotide gated potassium channel 4; minus strand). Cytogenetic location: 15q24.1.
Variant type: single nucleotide variant.
Coding change: c.397G>A on transcript NM_005477.3 (MANE Select); coding-DNA position 397, G replaced by A.
Protein change: p.Ala133Thr; replaces alanine 133 with threonine.
Molecular consequence: missense variant.
Genome position (GRCh38, 1-based): chr15:73,367,874, C>T on the plus strand (G>A on the coding strand, the complement: HCN4 is on the minus strand). VCF-style: chr15-73367874-C-T. GRCh37 (hg19) VCF-style: chr15-73660215-C-T.
Other names: short protein forms A133T.
Identifiers: ClinVar variation 3714425 (VCV003714425.2).

ClinVar aggregate classification (germline): Uncertain significance (1 of 4 stars; one submission).

Conditions:
Brugada syndrome 8 (BRGDA8). Identifiers: Orphanet 130, MedGen C2751083, MONDO:0013148, OMIM 613123.

gnomAD v4.1: 2 of 1,342,558 alleles (0.00015%); highest among the groups gnomAD compares: Admixed American, 0.0057%; no homozygotes.

Submission:

Labcorp Genetics (formerly Invitae), Labcorp
Classification: Uncertain significance for Brugada syndrome 8. Last evaluated: 2024-10-20. Review status: criteria provided, single submitter. Criteria: Invitae Variant Classification Sherloc (09022015). Collection method: clinical testing. Allele origin: germline.
Comment: This sequence change replaces alanine, which is neutral and non-polar, with threonine, which is neutral and polar, at codon 133 of the HCN4 protein (p.Ala133Thr). This variant is not present in population databases (gnomAD no frequency). This variant has not been reported in the literature in individuals affected with HCN4-related conditions. Invitae Evidence Modeling of protein sequence and biophysical properties (such as structural, functional, and spatial information, amino acid conservation, physicochemical variation, residue mobility, and thermodynamic stability) indicates that this missense variant is not expected to disrupt HCN4 protein function with a negative predictive value of 95%. In summary, the available evidence is currently insufficient to determine the role of this variant in disease. Therefore, it has been classified as a Variant of Uncertain Significance.